The following is an entry in ClinVar:

ClinVar aggregate classification (germline): Uncertain significance (1 of 4 stars; one submission).

Conditions:
Autosomal recessive spastic paraplegia type 78. Identifiers: Orphanet 513436, MedGen C5567893, MONDO:0014975, OMIM 617225.
Kufor-Rakeb syndrome (KRS). Also called: PARKINSON DISEASE 9, AUTOSOMAL RECESSIVE, JUVENILE-ONSET. Identifiers: Orphanet 306674, Orphanet 314632, MedGen C1847640, MONDO:0011706, OMIM 606693.

Allele frequency attached by ClinVar (database versions not stated): TOPMed below 0.00001.
gnomAD v4.1: 3 of 1,614,066 alleles (0.00019%); highest among the groups gnomAD compares: Non-Finnish European, 0.00025%; no homozygotes.

Submission:

Labcorp Genetics (formerly Invitae), Labcorp
Classification: Uncertain significance for Kufor-Rakeb syndrome; Autosomal recessive spastic paraplegia type 78. Last evaluated: 2023-12-19. Review status: criteria provided, single submitter. Criteria: Invitae Variant Classification Sherloc (09022015). Collection method: clinical testing. Allele origin: germline.
Comment: This sequence change replaces valine, which is neutral and non-polar, with leucine, which is neutral and non-polar, at codon 162 of the ATP13A2 protein (p.Val162Leu). This variant is present in population databases (no rsID available, gnomAD 0.0009%). This variant has not been reported in the literature in individuals affected with ATP13A2-related conditions. ClinVar contains an entry for this variant (Variation ID: 1435938). Advanced modeling of protein sequence and biophysical properties (such as structural, functional, and spatial information, amino acid conservation, physicochemical variation, residue mobility, and thermodynamic stability) performed at Invitae indicates that this missense variant is not expected to disrupt ATP13A2 protein function with a negative predictive value of 80%. In summary, the available evidence is currently insufficient to determine the role of this variant in disease. Therefore, it has been classified as a Variant of Uncertain Significance.

NM_022089.4(ATP13A2):c.484G>T (p.Val162Leu)

Gene: ATP13A2 (ATPase cation transporting 13A2; minus strand). Cytogenetic location: 1p36.13.
Variant type: single nucleotide variant.
Coding change: c.484G>T on transcript NM_022089.4 (MANE Select); coding-DNA position 484, G replaced by T.
Protein change: p.Val162Leu; replaces valine 162 with leucine.
Molecular consequence: missense variant.
Genome position (GRCh38, 1-based): chr1:17,004,405, C>A on the plus strand (G>T on the coding strand, the complement: ATP13A2 is on the minus strand). VCF-style: chr1-17004405-C-A. GRCh37 (hg19) VCF-style: chr1-17330900-C-A.
Other names: c.469G>T, p.Val157Leu (NM_001141973.3, NM_001141974.3); short protein forms V162L, V157L.
Identifiers: ClinVar variation 1435938 (VCV001435938.8), dbSNP rs766714391, ClinGen allele CA338262096.
Genomic context (GRCh38, chr1:17,004,405, plus strand): 5'-AGGCTTGCTGGGTCTCGATCCAGATATAGCGCTGGCCCTGGAAGAGGTAATACCGCAGCA[C>A]CCGCTTCTGGGTGGGAGAGAGGAGAGGATGGGTTGGAAGCTGGCCCCGGCCCCAGAAGCA-3'
Protein context (NP_071372.1, residues 152-172): EEAVSVGQKR[Val162Leu]LRYYLFQGQR